The following is an entry in ClinVar:

ClinVar aggregate classification (germline): Pathogenic (1 of 4 stars; one submission).

Conditions:
Charcot-Marie-Tooth disease type 4A. Also called: Charcot-Marie-Tooth disease, demyelinating, autosomal recessive, type 4a. Identifiers: Orphanet 99948, MedGen C1859198, MONDO:0008961, OMIM 214400.

Submission:

Labcorp Genetics (formerly Invitae), Labcorp
Classification: Pathogenic for Charcot-Marie-Tooth disease type 4A. Last evaluated: 2020-01-08. Review status: criteria provided, single submitter. Criteria: Invitae Variant Classification Sherloc (09022015). Collection method: clinical testing. Allele origin: germline.
Comment: Loss-of-function variants in GDAP1 are known to be pathogenic (PMID: 11743580). Algorithms developed to predict the effect of sequence changes on RNA splicing suggest that this variant may create or strengthen a splice site, but this prediction has not been confirmed by published transcriptional studies. This variant has not been reported in the literature in individuals with GDAP1-related conditions. This variant is not present in population databases (ExAC no frequency). This sequence change creates a premature translational stop signal (p.Val121Tyrfs*26) in the GDAP1 gene. It is expected to result in an absent or disrupted protein product. For these reasons, this variant has been classified as Pathogenic.

Literature cited by the submitters: PubMed 11743580.

NM_018972.4(GDAP1):c.361del (p.Val121fs)

Gene: GDAP1 (ganglioside induced differentiation associated protein 1; plus strand). Cytogenetic location: 8q21.11.
Variant type: Deletion.
Coding change: c.361del on transcript NM_018972.4 (MANE Select); coding-DNA position 361, one base deleted (G; older notation c.361delG).
Protein change: p.Val121fs; shifts the reading frame from valine 121.
Molecular consequence: frameshift variant. On other transcripts: intron variant (1).
Genome position (GRCh38, 1-based): chr8:74,360,187, G deleted; the last of 3 consecutive G bases (chr8:74,360,185-74,360,187); deleting any one gives the same sequence. VCF-style (leftmost placement, unchanged base first): chr8-74360184-CG-C. GRCh37 (hg19) VCF-style: chr8-75272419-CG-C.
Other names: c.157del, p.Val53fs (NM_001040875.4); c.34del, p.Val12fs (NM_001362929.2, NM_001362932.2); c.361del, p.Val121fs (NM_001362931.2); c.311-1697del (NM_001362930.2); short protein forms V121fs, V12fs, V53fs.
Identifiers: ClinVar variation 1069226 (VCV001069226.7), dbSNP rs2131512540, ClinGen allele CA2499219395.